The following is an entry in ClinVar:

ClinVar aggregate classification (germline): Conflicting classifications of pathogenicity. Review status: criteria provided, conflicting classifications (1 of 4 stars). 6 submissions from 6 submitters: Pathogenic (1); Uncertain significance (5). Last evaluated 2026-03-09.

Conditions:
Cardiomyopathy (CMYO). Also called: Cardiomyopathies. Identifiers: Orphanet 167848, MedGen C0878544, MONDO:0004994, HP:0001638. Inheritance: Various modes of inheritance.
Hypertrophic cardiomyopathy. Also called: HYPERTROPHIC MYOCARDIOPATHY. Identifiers: Orphanet 217569, MedGen C0007194, MeSH D002312, MONDO:0005045, HP:0001639.
Hypertrophic cardiomyopathy 10. Also called: CARDIOMYOPATHY, HYPERTROPHIC, MID-LEFT VENTRICULAR CHAMBER TYPE, 2; MYL2-Related Familial Hypertrophic Cardiomyopathy. Identifiers: MedGen C1834460, MONDO:0012112, OMIM 608758.
Cardiovascular phenotype. Identifiers: MedGen CN230736.

Allele frequency attached by ClinVar (database versions not stated): gnomAD 0.00001.
gnomAD v4.1: 3 of 1,614,050 alleles (0.00019%); highest among the groups gnomAD compares: Non-Finnish European, 0.00025%; no homozygotes.

Submissions (6):

Ambry Genetics
Classification: Uncertain significance for Cardiovascular phenotype. Last evaluated: 2026-03-09. Review status: criteria provided, single submitter. Criteria: Ambry Variant Classification Scheme 2023. Collection method: clinical testing. Allele origin: germline.
Comment: The p.A93E variant (also known as c.278C>A), located in coding exon 5 of the MYL2 gene, results from a C to A substitution at nucleotide position 278. The alanine at codon 93 is replaced by glutamic acid, an amino acid with dissimilar properties. This variant was reported in individual(s) with features consistent with hypertrophic cardiomyopathy (external communication). This amino acid position is highly conserved in available vertebrate species. In addition, this alteration is predicted to be deleterious by in silico analysis. Based on the available evidence, the clinical significance of this variant remains unclear.

Labcorp Genetics (formerly Invitae), Labcorp
Classification: Pathogenic for Hypertrophic cardiomyopathy 10. Last evaluated: 2025-12-26. Review status: criteria provided, single submitter. Criteria: Invitae Variant Classification Sherloc (09022015). Collection method: clinical testing. Allele origin: germline.
Comment: This sequence change replaces alanine, which is neutral and non-polar, with glutamic acid, which is acidic and polar, at codon 93 of the MYL2 protein (p.Ala93Glu). This variant is present in population databases (no rsID available, gnomAD 0.007%). This missense change has been observed in individuals with clinical features of hypertrophic cardiomyopathy (internal data). It has also been observed to segregate with disease in related individuals. ClinVar contains an entry for this variant (Variation ID: 858021). An algorithm developed to predict the effect of missense changes on protein structure and function (PolyPhen-2) suggests that this variant is likely to be tolerated. This variant disrupts the p.Ala93 amino acid residue in MYL2. Other variant(s) that disrupt this residue have been observed in individuals with MYL2-related conditions (internal data), which suggests that this may be a clinically significant amino acid residue. For these reasons, this variant has been classified as Pathogenic.

Color Diagnostics, LLC DBA Color Health
Classification: Uncertain significance for Cardiomyopathy. Last evaluated: 2025-04-28. Review status: criteria provided, single submitter. Criteria: ACMG Guidelines, 2015. Collection method: clinical testing. Allele origin: germline.
Comment: This missense variant replaces alanine with glutamic acid at codon 93 of the MYL2 protein. Computational prediction tool is inconclusive regarding the impact of this variant on protein structure and function. To our knowledge, functional studies have not been reported for this variant. This variant has not been reported in individuals affected with MYL2-related disorders in the literature. This variant has been identified in 1/31396 chromosomes in the general population by the Genome Aggregation Database (gnomAD). The available evidence is insufficient to determine the role of this variant in disease conclusively. Therefore, this variant is classified as a Variant of Uncertain Significance.

All of Us Research Program, National Institutes of Health
Classification: Uncertain significance for Hypertrophic cardiomyopathy. Last evaluated: 2023-05-08. Review status: criteria provided, single submitter. Criteria: ACMG Guidelines, 2015. Collection method: clinical testing. Allele origin: germline. Inheritance: Autosomal dominant inheritance. Observed: 2 variant alleles, 2 heterozygotes.
Comment: This missense variant replaces alanine with glutamic acid at codon 93 of the MYL2 protein. Computational prediction is inconclusive regarding the impact of this variant on protein structure and function (internally defined REVEL score threshold 0.5 < inconclusive < 0.7, PMID: 27666373). To our knowledge, functional studies have not been reported for this variant. This variant has not been reported in individuals affected with cardiovascular disorders in the literature. This variant has been identified in 1/31396 chromosomes in the general population by the Genome Aggregation Database (gnomAD). The available evidence is insufficient to determine the role of this variant in disease conclusively. Therefore, this variant is classified as a Variant of Uncertain Significance.

This study involves interpretation of variants in research participants for the purpose of population health screening. Participant phenotype was not available at the time of variant classification. Additional details can be found in publication PMID: 35346344, PMCID: PMC8962531

Laboratory for Molecular Medicine, Mass General Brigham Personalized Medicine
Classification: Uncertain significance. Last evaluated: 2019-05-13. Review status: criteria provided, single submitter. Criteria: LMM Criteria. Collection method: clinical testing. Allele origin: germline. Observed: 1 variant allele.
Comment: The p.Ala93Glu variant in MYL2 has not been previously reported in individuals with cardiomyopathy, but has been identified in 0.001% (1/129178) of European chromosomes by gnomAD. Computational prediction tools and conservation analysis suggest that this variant may impact the protein, though this information is not predictive enough to determine pathogenicity. Furthermore, a different variant at the same position (p.Ala93Val) has been reported in at least one individual with hypertrophic cardiomyopathy (Berge 2014); however, there is insufficient evidence to support pathogenicity for this alternate variant. In summary, the clinical significance of the p.Ala93Glu variant is uncertain. ACMG/AMP Criteria applied: PM2, PP3.

GeneDx
Classification: Uncertain significance. Last evaluated: 2019-04-17. Review status: criteria provided, single submitter. Criteria: GeneDx Variant Classification Process June 2021. Collection method: clinical testing. Allele origin: germline. Affected: yes.
Comment: Has not been previously published as pathogenic or benign to our knowledge; Not observed at a significant frequency in large population cohorts (Lek et al., 2016); In silico analysis, which includes protein predictors and evolutionary conservation, supports that this variant does not alter protein structure/function; Reported in ClinVar but additional evidence is not available (ClinVar Variant ID 532779; Landrum et al., 2016); This variant is associated with the following publications: (PMID: 24111713)

Literature cited by the submitters: PubMed 24111713 (cited by Ambry Genetics and Laboratory for Molecular Medicine, Mass General Brigham Personalized Medicine).

NM_000432.4(MYL2):c.278C>A (p.Ala93Glu)

Gene: MYL2 (myosin light chain 2; minus strand). Cytogenetic location: 12q24.11.
Variant type: single nucleotide variant.
Coding change: c.278C>A on transcript NM_000432.4 (MANE Select); coding-DNA position 278, C replaced by A.
Protein change: p.Ala93Glu; replaces alanine 93 with glutamic acid.
Molecular consequence: missense variant.
Genome position (GRCh38, 1-based): chr12:110,913,321, G>T on the plus strand (C>A on the coding strand, the complement: MYL2 is on the minus strand). VCF-style: chr12-110913321-G-T. GRCh37 (hg19) VCF-style: chr12-111351125-G-T.
Other names: short protein forms A93E.
Identifiers: ClinVar variation 858021 (VCV000858021.15), dbSNP rs774193307, ClinGen allele CA386698165.